The following is an entry in ClinVar:

NM_018557.3(LRP1B):c.11727C>T (p.Gly3909=)

Gene: LRP1B (LDL receptor related protein 1B; minus strand). Cytogenetic location: 2q22.1.
Variant type: single nucleotide variant.
Coding change: c.11727C>T on transcript NM_018557.3 (MANE Select); coding-DNA position 11727, C replaced by T.
Protein change: p.Gly3909=; no amino-acid change (glycine 3909 retained).
Molecular consequence: synonymous variant.
Genome position (GRCh38, 1-based): chr2:140,350,962, G>A on the plus strand (C>T on the coding strand, the complement: LRP1B is on the minus strand). VCF-style: chr2-140350962-G-A. GRCh37 (hg19) VCF-style: chr2-141108531-G-A.
Other names: NC_000002.11:g.141108531G>A.
Identifiers: ClinVar variation 3059078 (VCV003059078.3), dbSNP rs16843826, ClinGen allele CA1893008.

ClinVar aggregate classification (germline): Benign (0 of 4 stars; one submission).

Conditions:
LRP1B-related disorder. Also called: LRP1B-related condition.

Allele frequency attached by ClinVar (database versions not stated): ExAC 0.01878; 1000 Genomes Project 0.02137; 1000 Genomes Project 30x 0.02249; gnomAD 0.02714; TOPMed 0.02934; ESP Exome Variant Server 0.03329.
gnomAD v4.1: 33,586 of 1,608,138 alleles (2.1%); highest among the groups gnomAD compares: African/African-American, 5.1%; 446 homozygotes.

Submissions (9):

PreventionGenetics, part of Exact Sciences
Classification: Benign for LRP1B-related condition. Last evaluated: 2019-09-23. Review status: no assertion criteria provided. Collection method: clinical testing. Allele origin: germline.
Comment: This variant is classified as benign based on ACMG/AMP sequence variant interpretation guidelines (Richards et al. 2015 PMID: 25741868, with internal and published modifications).

Dr. Peter K. Rogan Lab, Western University
No classification provided (evidence only). Condition: Thyroid cancer, nonmedullary, 1. Review status: no classification provided. Collection method: in vitro. Allele origin: not applicable. Functional consequence: retained intron. Not counted in ClinVar's aggregate classification.

Dr. Peter K. Rogan Lab, Western University
No classification provided (evidence only). Condition: Thyroid cancer, nonmedullary, 1. Review status: no classification provided. Collection method: in vitro. Allele origin: not applicable. Functional consequence: retained intron. Not counted in ClinVar's aggregate classification.

Dr. Peter K. Rogan Lab, Western University
No classification provided (evidence only). Condition: Thyroid cancer, nonmedullary, 1. Review status: no classification provided. Collection method: in vitro. Allele origin: not applicable. Functional consequence: retained intron. Not counted in ClinVar's aggregate classification.

Dr. Peter K. Rogan Lab, Western University
No classification provided (evidence only). Condition: Thyroid cancer, nonmedullary, 1. Review status: no classification provided. Collection method: in vitro. Allele origin: not applicable. Functional consequence: retained intron. Not counted in ClinVar's aggregate classification.

Dr. Peter K. Rogan Lab, Western University
No classification provided (evidence only). Condition: Hepatocellular carcinoma. Review status: no classification provided. Collection method: in vitro. Allele origin: not applicable. Functional consequence: retained intron. Not counted in ClinVar's aggregate classification.

Dr. Peter K. Rogan Lab, Western University
No classification provided (evidence only). Condition: Ovarian serous cystadenocarcinoma. Review status: no classification provided. Collection method: in vitro. Allele origin: not applicable. Functional consequence: retained intron. Not counted in ClinVar's aggregate classification.

Dr. Peter K. Rogan Lab, Western University
No classification provided (evidence only). Condition: Gastric cancer. Review status: no classification provided. Collection method: in vitro. Allele origin: not applicable. Functional consequence: retained intron. Not counted in ClinVar's aggregate classification.

Dr. Peter K. Rogan Lab, Western University
No classification provided (evidence only). Condition: Adrenocortical carcinoma, hereditary. Review status: no classification provided. Collection method: in vitro. Allele origin: not applicable. Functional consequence: retained intron. Not counted in ClinVar's aggregate classification.